The following is an entry in ClinVar:

NM_022370.4(ROBO3):c.592G>A (p.Val198Met)

Gene: ROBO3 (roundabout guidance receptor 3; plus strand). Cytogenetic location: 11q24.2.
Variant type: single nucleotide variant.
Coding change: c.592G>A on transcript NM_022370.4 (MANE Select); coding-DNA position 592, G replaced by A.
Protein change: p.Val198Met; replaces valine 198 with methionine.
Molecular consequence: missense variant.
Genome position (GRCh38, 1-based): chr11:124,869,554, G>A. VCF-style: chr11-124869554-G-A. GRCh37 (hg19) VCF-style: chr11-124739450-G-A.
Other names: short protein forms V198M.
Identifiers: ClinVar variation 303224 (VCV000303224.6), dbSNP rs192622083, ClinGen allele CA6343223.

ClinVar aggregate classification (germline): Uncertain significance. Review status: criteria provided, multiple submitters, no conflicts (2 of 4 stars). 2 submissions from 2 submitters: Uncertain significance (2). Last evaluated 2026-03-04.

Conditions:
ROBO3-related disorder. Also called: ROBO3-related condition.
Gaze palsy, familial horizontal, with progressive scoliosis 1 (HGPPS1). Identifiers: Orphanet 2744, MedGen C4551964, MONDO:0020790, OMIM 607313.

Allele frequency attached by ClinVar (database versions not stated): gnomAD exomes 0.00007 and 0.00010; gnomAD 0.00011 and 0.00012; ESP Exome Variant Server 0.00017; TOPMed 0.00020; ExAC 0.00028; 1000 Genomes Project 0.00040; 1000 Genomes Project 30x 0.00047.

Submissions (2):

PreventionGenetics, part of Exact Sciences
Classification: Uncertain significance for ROBO3-related condition. Last evaluated: 2026-03-04. Review status: criteria provided, single submitter. Criteria: ACMG Guidelines, 2015. Collection method: clinical testing. Allele origin: germline.
Comment: The ROBO3 c.592G>A variant is predicted to result in the amino acid substitution p.Val198Met. To our knowledge, this variant has not been reported in the literature. This variant is reported in 0.044% of alleles in individuals of Ashkenazi Jewish descent in gnomAD. At this time, the clinical significance of this variant is uncertain due to the absence of conclusive functional and genetic evidence.

Illumina Laboratory Services, Illumina
Classification: Uncertain significance for Gaze palsy, familial horizontal, with progressive scoliosis 1. Last evaluated: 2018-01-12. Review status: criteria provided, single submitter. Criteria: ICSL Variant Classification Criteria 13 December 2019. Collection method: clinical testing. Allele origin: germline.